The following is an entry in ClinVar:

ClinVar aggregate classification (germline): Uncertain significance (1 of 4 stars; one submission).

Submission:

Labcorp Genetics (formerly Invitae), Labcorp
Classification: Uncertain significance. Last evaluated: 2023-03-17. Review status: criteria provided, single submitter. Criteria: Invitae Variant Classification Sherloc (09022015). Collection method: clinical testing. Allele origin: germline.
Comment: In summary, the available evidence is currently insufficient to determine the role of this variant in disease. Therefore, it has been classified as a Variant of Uncertain Significance. Experimental studies and prediction algorithms are not available or were not evaluated, and the functional significance of this variant is currently unknown. This variant has not been reported in the literature in individuals affected with ADGRA3-related conditions. This variant is present in population databases (rs753356992, gnomAD 0.003%). This variant, c.1823_1824insCCA, is a complex sequence change that results in the deletion of 1 and insertion of 2 amino acid(s) in the ADGRA3 protein (p.Glu608delinsAspGln).

NM_145290.4(ADGRA3):c.1823_1824insCCA (p.Glu608delinsAspGln)

Gene: ADGRA3 (adhesion G protein-coupled receptor A3; minus strand). Cytogenetic location: 4p15.2.
Variant type: Insertion.
Coding change: c.1823_1824insCCA on transcript NM_145290.4 (MANE Select); coding-DNA positions 1823 to 1824, CCA inserted.
Protein change: p.Glu608delinsAspGln.
Molecular consequence: inframe indel.
Genome position: GRCh38 VCF-style: chr4-22413800-C-CTGG. GRCh37 (hg19) VCF-style: chr4-22415423-C-CTGG.
Identifiers: ClinVar variation 2799745 (VCV002799745.3), dbSNP rs753356992, ClinGen allele CA2873802.